The following is an entry in ClinVar:

NM_000489.6(ATRX):c.3563C>T (p.Ser1188Phe)

Gene: ATRX (ATRX chromatin remodeler; minus strand). Cytogenetic location: Xq21.1.
Variant type: single nucleotide variant.
Coding change: c.3563C>T on transcript NM_000489.6 (MANE Select); coding-DNA position 3563, C replaced by T.
Protein change: p.Ser1188Phe; replaces serine 1188 with phenylalanine.
Molecular consequence: missense variant.
Genome position (GRCh38, 1-based): chrX:77,681,693, G>A on the plus strand (C>T on the coding strand, the complement: ATRX is on the minus strand). VCF-style: chrX-77681693-G-A. GRCh37 (hg19) VCF-style: chrX-76937185-G-A.
Other names: c.3449C>T, p.Ser1150Phe (NM_138270.5); short protein forms S1188F, S1150F.
Identifiers: ClinVar variation 2902648 (VCV002902648.5), dbSNP rs2148570068, ClinGen allele CA413706207.

ClinVar aggregate classification (germline): Uncertain significance. Review status: criteria provided, multiple submitters, no conflicts (2 of 4 stars). 2 submissions from 2 submitters: Uncertain significance (2). Last evaluated 2022-11-12.

Conditions:
Alpha thalassemia-X-linked intellectual disability syndrome (ATRX). Also called: ALPHA-THALASSEMIA/MENTAL RETARDATION SYNDROME, X-LINKED; ATR, NONDELETION TYPE; ATR-X syndrome; Alpha thalassemia mental retardation syndrome, nondeletion type, X-linked; XLMR hypotonic face syndrome; X-linked alpha-thalassemia-mental retardation syndrome. Identifiers: Orphanet 847, MedGen C1845055, MONDO:0010519, OMIM 301040.
Intellectual disability-hypotonic facies syndrome, X-linked, 1 (MRXHF1). Also called: XLMR-HYPOTONIC FACIES SYNDROME; CHUDLEY-LOWRY SYNDROME; Chudley syndrome 1; Chudley-Lowry-Hoar syndrome; Carpenter-Waziri syndrome; Smith Fineman Myers syndrome 1. Identifiers: Orphanet 73220, Orphanet 93970, Orphanet 93971, Orphanet 93972, Orphanet 93973, Orphanet 93974, Orphanet 93975, MedGen C4759781, MONDO:0010663, OMIM 309580.
Acquired hemoglobin H disease (ATMDS). Also called: Alpha-thalassemia myelodysplasia syndrome; Alpha-thalassemia myelodysplasia syndrome, somatic; Alpha-thalassemia-myelodysplastic syndrome. Identifiers: Orphanet 231401, MedGen C0585216, MONDO:0010328, OMIM 300448.

Submissions (2):

Labcorp Genetics (formerly Invitae), Labcorp
Classification: Uncertain significance for Alpha thalassemia-X-linked intellectual disability syndrome. Last evaluated: 2022-11-12. Review status: criteria provided, single submitter. Criteria: Invitae Variant Classification Sherloc (09022015). Collection method: clinical testing. Allele origin: germline.
Comment: Advanced modeling of protein sequence and biophysical properties (such as structural, functional, and spatial information, amino acid conservation, physicochemical variation, residue mobility, and thermodynamic stability) performed at Invitae indicates that this missense variant is not expected to disrupt ATRX protein function. This sequence change replaces serine, which is neutral and polar, with phenylalanine, which is neutral and non-polar, at codon 1188 of the ATRX protein (p.Ser1188Phe). This variant is not present in population databases (gnomAD no frequency). This variant has not been reported in the literature in individuals affected with ATRX-related conditions. In summary, the available evidence is currently insufficient to determine the role of this variant in disease. Therefore, it has been classified as a Variant of Uncertain Significance.

Juno Genomics, Hangzhou Juno Genomics, Inc
Classification: Uncertain significance for Alpha thalassemia-X-linked intellectual disability syndrome; Acquired hemoglobin H disease; Intellectual disability-hypotonic facies syndrome, X-linked, 1. Review status: criteria provided, single submitter. Criteria: ACMG Guidelines, 2015. Collection method: clinical testing. Allele origin: germline.
Comment: Absent from controls (or at extremely low frequency if recessive) in Genome Aggregation Database.